The following is an entry in ClinVar:

NM_184085.2(TRIM55):c.102G>A (p.Thr34=)

Gene: TRIM55 (tripartite motif containing 55; plus strand). Cytogenetic location: 8q13.1.
Variant type: single nucleotide variant.
Coding change: c.102G>A on transcript NM_184085.2 (MANE Select); coding-DNA position 102, G replaced by A.
Protein change: p.Thr34=; no amino-acid change (threonine 34 retained).
Molecular consequence: synonymous variant.
Genome position (GRCh38, 1-based): chr8:66,127,370, G>A. VCF-style: chr8-66127370-G-A. GRCh37 (hg19) VCF-style: chr8-67039605-G-A.
Other names: c.102G>A, p.Thr34= (NM_033058.3, NM_184086.2, NM_184087.2).
Identifiers: ClinVar variation 3041220 (VCV003041220.2), dbSNP rs11991549, ClinGen allele CA4765565.

ClinVar aggregate classification (germline): Benign (0 of 4 stars; one submission).

Conditions:
TRIM55-related disorder. Also called: TRIM55-related condition.

Allele frequency attached by ClinVar (database versions not stated): gnomAD exomes 0.00255; ExAC 0.00789; 1000 Genomes Project 0.02276; gnomAD 0.02386; 1000 Genomes Project 30x 0.02545; TOPMed 0.02638; ESP Exome Variant Server 0.02668.
gnomAD v4.1: 7,499 of 1,614,084 alleles (0.46%); highest among the groups gnomAD compares: African/African-American, 8.1%; 259 homozygotes.

Submission:

PreventionGenetics, part of Exact Sciences
Classification: Benign for TRIM55-related condition. Last evaluated: 2019-08-01. Review status: no assertion criteria provided. Collection method: clinical testing. Allele origin: germline.
Comment: This variant is classified as benign based on ACMG/AMP sequence variant interpretation guidelines (Richards et al. 2015 PMID: 25741868, with internal and published modifications).